The following is an entry in ClinVar:

ClinVar aggregate classification (germline): Uncertain significance (1 of 4 stars; one submission).

Conditions:
Pyruvate dehydrogenase E2 deficiency (PDHDD). Also called: LACTIC ACIDEMIA DUE TO DEFECT OF E2 LIPOYL TRANSACETYLASE OF THE PYRUVATE DEHYDROGENASE COMPLEX; Dihydrolipoamide Acetyltransferase (E2) Deficiency. Identifiers: Orphanet 765, Orphanet 79244, MedGen C1855565, MONDO:0009502, OMIM 245348.

Submission:

Labcorp Genetics (formerly Invitae), Labcorp
Classification: Uncertain significance for Pyruvate dehydrogenase E2 deficiency. Last evaluated: 2023-07-14. Review status: criteria provided, single submitter. Criteria: Invitae Variant Classification Sherloc (09022015). Collection method: clinical testing. Allele origin: germline.
Comment: This variant has not been reported in the literature in individuals affected with DLAT-related conditions. This variant is not present in population databases (gnomAD no frequency). This sequence change replaces methionine, which is neutral and non-polar, with arginine, which is basic and polar, at codon 437 of the DLAT protein (p.Met437Arg). ClinVar contains an entry for this variant (Variation ID: 1000966). In summary, the available evidence is currently insufficient to determine the role of this variant in disease. Therefore, it has been classified as a Variant of Uncertain Significance. Advanced modeling of protein sequence and biophysical properties (such as structural, functional, and spatial information, amino acid conservation, physicochemical variation, residue mobility, and thermodynamic stability) performed at Invitae indicates that this missense variant is not expected to disrupt DLAT protein function.

NM_001931.5(DLAT):c.1310T>G (p.Met437Arg)

Gene: DLAT (dihydrolipoamide S-acetyltransferase; plus strand). Cytogenetic location: 11q23.1.
Variant type: single nucleotide variant.
Coding change: c.1310T>G on transcript NM_001931.5 (MANE Select); coding-DNA position 1310, T replaced by G.
Protein change: p.Met437Arg; replaces methionine 437 with arginine.
Molecular consequence: missense variant. On other transcripts: non-coding transcript variant (1), intron variant (2).
Genome position (GRCh38, 1-based): chr11:112,045,882, T>G. VCF-style: chr11-112045882-T-G. GRCh37 (hg19) VCF-style: chr11-111916606-T-G.
Other names: c.1310T>G, p.Met437Arg (NM_001372031.1, NM_001372033.1); c.1304T>G, p.Met435Arg (NM_001372032.1); c.1277T>G, p.Met426Arg (NM_001372034.1); c.1184T>G, p.Met395Arg (NM_001372036.1); c.1142T>G, p.Met381Arg (NM_001372037.1); c.1031T>G, p.Met344Arg (NM_001372038.1); c.995T>G, p.Met332Arg (NM_001372039.1); c.929T>G, p.Met310Arg (NM_001372040.1); and 3 more; short protein forms M283R, M310R, M332R, M344R, M381R, M395R, M426R, M435R.
Identifiers: ClinVar variation 1000966 (VCV001000966.8), dbSNP rs1863289848, ClinGen allele CA382614308.
Genomic context (GRCh38, chr11:112,045,882, plus strand): 5'-TAACTCAAGATAATTGATTTTTTAAATCTCTTTGGTTTCAGGTTATTGCACAGCGATTAA[T>G]GCAATCAAAGCAAACCATACCTCATTATTACCTTTCTATCGATGTAAATATGGGAGAAGT-3'
Protein context (NP_001922.2, residues 427-447): NIRRVIAQRL[Met437Arg]QSKQTIPHYY